The following is an entry in ClinVar:

NM_058246.4(DNAJB6):c.412G>A (p.Gly138Arg)

Gene: DNAJB6 (DnaJ heat shock protein family (Hsp40) member B6; plus strand). Cytogenetic location: 7q36.3.
Variant type: single nucleotide variant.
Coding change: c.412G>A on transcript NM_058246.4 (MANE Select); coding-DNA position 412, G replaced by A.
Protein change: p.Gly138Arg; replaces glycine 138 with arginine.
Molecular consequence: missense variant. On other transcripts: intron variant (1).
Genome position (GRCh38, 1-based): chr7:157,382,311, G>A. VCF-style: chr7-157382311-G-A. GRCh37 (hg19) VCF-style: chr7-157175005-G-A.
Other names: c.412G>A, p.Gly138Arg (NM_005494.3); c.346+14828G>A (NM_001363676.1); short protein forms G138R.
Identifiers: ClinVar variation 1947952 (VCV001947952.6), dbSNP rs769285457, ClinGen allele CA4590511.

ClinVar aggregate classification (germline): Uncertain significance. Review status: criteria provided, multiple submitters, no conflicts (2 of 4 stars). 2 submissions from 2 submitters: Uncertain significance (2). Last evaluated 2025-04-21.

Conditions:
Autosomal dominant limb-girdle muscular dystrophy type 1D (DNAJB6) (LGMDD1). Also called: MUSCULAR DYSTROPHY, AUTOSOMAL DOMINANT, WITH RIMMED VACUOLES; MUSCULAR DYSTROPHY, LIMB-GIRDLE, TYPE 1D; Autosomal dominant limb-girdle muscular dystrophy type 1D; Muscular dystrophy, limb-girdle, autosomal dominant 1. Identifiers: Orphanet 34516, MedGen C4721885, MONDO:0021018, OMIM 603511.

Allele frequency attached by ClinVar (database versions not stated): TOPMed below 0.00001; ExAC 0.00001; gnomAD exomes 0.00001.
gnomAD v4.1: 5 of 1,612,160 alleles (0.00031%); highest among the groups gnomAD compares: Non-Finnish European, 0.00034%; no homozygotes.

Submissions (2):

Revvity Omics, Revvity
Classification: Uncertain significance for Autosomal dominant limb-girdle muscular dystrophy type 1D (DNAJB6). Last evaluated: 2025-04-21. Review status: criteria provided, single submitter. Criteria: ACMG Guidelines, 2015. Collection method: clinical testing. Allele origin: germline.

Labcorp Genetics (formerly Invitae), Labcorp
Classification: Uncertain significance for Autosomal dominant limb-girdle muscular dystrophy type 1D (DNAJB6). Last evaluated: 2024-11-27. Review status: criteria provided, single submitter. Criteria: Invitae Variant Classification Sherloc (09022015). Collection method: clinical testing. Allele origin: germline.
Comment: This sequence change replaces glycine, which is neutral and non-polar, with arginine, which is basic and polar, at codon 138 of the DNAJB6 protein (p.Gly138Arg). This variant is present in population databases (rs769285457, gnomAD 0.0009%). This variant has not been reported in the literature in individuals affected with DNAJB6-related conditions. ClinVar contains an entry for this variant (Variation ID: 1947952). Invitae Evidence Modeling of protein sequence and biophysical properties (such as structural, functional, and spatial information, amino acid conservation, physicochemical variation, residue mobility, and thermodynamic stability) indicates that this missense variant is not expected to disrupt DNAJB6 protein function with a negative predictive value of 80%. In summary, the available evidence is currently insufficient to determine the role of this variant in disease. Therefore, it has been classified as a Variant of Uncertain Significance.